The following is an entry in ClinVar:

ClinVar aggregate classification (germline): Pathogenic/Likely pathogenic. Review status: criteria provided, multiple submitters, no conflicts (2 of 4 stars). 2 submissions from 2 submitters: Pathogenic (1); Likely pathogenic (1). Last evaluated 2025-01-01.

Conditions:
Hermansky-Pudlak syndrome 1 (HPS1). Also called: DELTA STORAGE POOL DISEASE. Identifiers: Orphanet 231500, Orphanet 79430, MedGen C2931875, MONDO:0008748, OMIM 203300.

Submissions (2):

Laboratory of Genetic Epidemiology, Research Centre for Medical Genetics
Classification: Pathogenic for Hermansky-Pudlak syndrome 1. Last evaluated: 2025-01-01. Review status: criteria provided, single submitter. Criteria: ACMG Guidelines, 2015. Collection method: clinical testing. Allele origin: unknown. Inheritance: Autosomal recessive inheritance. Affected: yes. Observed: 1 heterozygote.
Comment: The variant leads to affect acceptor splicing site (acceptor loss with score 0.99 by SpliceAi predictor). This variant has been previously reported in the literature (PMID: 39457042) and is not listed in gnomAD v3.1.2. We assume that this variant is highly likely to be in trans state with pathogenic variant NM_000195.5:c.1189delС, p.(Gln397Serfs*2) in proband; therefore, based on the literature (PMID: 30311386), we apply the ACMG pathogenic criterion PM3 Supporting. Taken together, the variant meets the following ACMG/AMP criteria and can be classified as pathogenic with PM2, PVS1, PM3, PP5 criteria.

Fulgent Genetics
Classification: Likely pathogenic for Hermansky-Pudlak syndrome 1. Last evaluated: 2024-05-01. Review status: criteria provided, single submitter. Criteria: ACMG Guidelines, 2015. Collection method: clinical testing. Allele origin: germline.

Literature cited by the submitters: PubMed 41428507 (cited by Laboratory of Genetic Epidemiology, Research Centre for Medical Genetics).

NM_000195.5(HPS1):c.938-1G>A

Gene: HPS1 (HPS1 biogenesis of lysosomal organelles complex 3 subunit 1; minus strand). Cytogenetic location: 10q24.2.
Variant type: single nucleotide variant.
Coding change: c.938-1G>A on transcript NM_000195.5 (MANE Select); the canonical splice acceptor site of the intron before coding-DNA position 938, G replaced by A.
Molecular consequence: splice acceptor variant.
Genome position (GRCh38, 1-based): chr10:98,427,265, C>T on the plus strand (G>A on the coding strand, the complement: HPS1 is on the minus strand). VCF-style: chr10-98427265-C-T. GRCh37 (hg19) VCF-style: chr10-100187022-C-T.
Other names: c.569-1G>A (NM_001322483.2, NM_001322484.2); c.677-1G>A (NM_001322480.2, NM_001322481.2); c.839-1G>A (NM_001322478.2, NM_001322479.2); c.938-1G>A (NM_001322476.2, NM_001322477.2); c.470-1G>A (NM_001322485.2); c.578-1G>A (NM_001322482.2); c.-35-1G>A (NM_001322489.2, NM_001311345.2, NM_001322487.2).
Identifiers: ClinVar variation 3588976 (VCV003588976.2).